The following is an entry in ClinVar:

NM_000110.4(DPYD):c.209G>A (p.Arg70Gln)

Gene: DPYD (dihydropyrimidine dehydrogenase; minus strand). Cytogenetic location: 1p21.3.
Variant type: single nucleotide variant.
Coding change: c.209G>A on transcript NM_000110.4 (MANE Select); coding-DNA position 209, G replaced by A.
Protein change: p.Arg70Gln; replaces arginine 70 with glutamine.
Molecular consequence: missense variant.
Genome position (GRCh38, 1-based): chr1:97,828,138, C>T on the plus strand (G>A on the coding strand, the complement: DPYD is on the minus strand). VCF-style: chr1-97828138-C-T. GRCh37 (hg19) VCF-style: chr1-98293694-C-T.
Other names: c.209G>A, p.Arg70Gln (NM_001160301.1); short protein forms R70Q.
Identifiers: ClinVar variation 2606986 (VCV002606986.3), dbSNP rs767818267, ClinGen allele CA963766.

ClinVar aggregate classification (germline): Uncertain significance (1 of 4 stars; one submission).

Conditions:
Inborn genetic diseases. Identifiers: MedGen C0950123, MeSH D030342.

Allele frequency attached by ClinVar (database versions not stated): gnomAD 0.00001; TOPMed 0.00001; ExAC 0.00002.
gnomAD v4.1: 7 of 1,613,604 alleles (0.00043%); highest among the groups gnomAD compares: Admixed American, 0.0017%; no homozygotes.

Submission:

Ambry Genetics
Classification: Uncertain significance for Inborn genetic diseases. Last evaluated: 2024-11-10. Review status: criteria provided, single submitter. Criteria: Ambry Variant Classification Scheme 2023. Collection method: clinical testing. Allele origin: germline.
Comment: The p.R70Q variant (also known as c.209G>A), located in coding exon 3 of the DPYD gene, results from a G to A substitution at nucleotide position 209. The arginine at codon 70 is replaced by glutamine, an amino acid with highly similar properties. This amino acid position is conserved. In addition, the in silico prediction for this alteration is inconclusive. Based on the available evidence, the clinical significance of this variant remains unclear.